The following is an entry in ClinVar:

NM_001008216.2(GALE):c.873G>A (p.Lys291=)

Gene: GALE (UDP-galactose-4-epimerase; minus strand). Cytogenetic location: 1p36.11.
Variant type: single nucleotide variant.
Coding change: c.873G>A on transcript NM_001008216.2 (MANE Select); coding-DNA position 873, G replaced by A.
Protein change: p.Lys291=; no amino-acid change (lysine 291 retained).
Molecular consequence: synonymous variant.
Genome position (GRCh38, 1-based): chr1:23,796,509, C>T on the plus strand (G>A on the coding strand, the complement: GALE is on the minus strand). VCF-style: chr1-23796509-C-T. GRCh37 (hg19) VCF-style: chr1-24122999-C-T.
Other names: c.873G>A, p.Lys291= (NM_000403.4, NM_001127621.2).
Identifiers: ClinVar variation 646557 (VCV000646557.9), dbSNP rs1570630092, ClinGen allele CA416614905.

ClinVar aggregate classification (germline): Uncertain significance (1 of 4 stars; one submission).

Conditions:
UDPglucose-4-epimerase deficiency. Also called: UDP-GALACTOSE-4-EPIMERASE DEFICIENCY; GALACTOSEMIA III; GALE DEFICIENCY; Galactose epimerase deficiency; Epimerase Deficiency Galactosemia; UDPglucose 4-Epimerase Deficiency Disease. Identifiers: Orphanet 352, Orphanet 79238, MedGen C0751161, MONDO:0009257, OMIM 230350.

Submission:

Labcorp Genetics (formerly Invitae), Labcorp
Classification: Uncertain significance for UDPglucose-4-epimerase deficiency. Last evaluated: 2018-12-22. Review status: criteria provided, single submitter. Criteria: Invitae Variant Classification Sherloc (09022015). Collection method: clinical testing. Allele origin: germline.
Comment: In summary, the available evidence is currently insufficient to determine the role of this variant in disease. Therefore, it has been classified as a Variant of Uncertain Significance. Nucleotide substitutions within the consensus splice site are a relatively common cause of aberrant splicing (PMID: 17576681, 9536098). Algorithms developed to predict the effect of sequence changes on RNA splicing suggest that this variant may disrupt the consensus splice site, but this prediction has not been confirmed by published transcriptional studies. This variant is not present in population databases (ExAC no frequency). This sequence change affects codon 291 of the GALE mRNA. It is a 'silent' change, meaning that it does not change the encoded amino acid sequence of the GALE protein. This variant also falls at the last nucleotide of exon 10 of the GALE coding sequence, which is part of the consensus splice site for this exon.

Literature cited by the submitters: PubMed 17576681; PubMed 9536098.